The following is an entry in ClinVar:

ClinVar aggregate classification (germline): Uncertain significance (1 of 4 stars; one submission).

Submission:

Labcorp Genetics (formerly Invitae), Labcorp
Classification: Uncertain significance. Last evaluated: 2025-03-07. Review status: criteria provided, single submitter. Criteria: Invitae Variant Classification Sherloc (09022015). Collection method: clinical testing. Allele origin: germline.
Comment: This sequence change replaces arginine, which is basic and polar, with leucine, which is neutral and non-polar, at codon 229 of the LRP5 protein (p.Arg229Leu). This variant also falls at the last nucleotide of exon 3, which is part of the consensus splice site for this exon. This variant is not present in population databases (gnomAD no frequency). This variant is not present in population databases (gnomAD no frequency). This variant has not been reported in the literature in individuals affected with LRP5-related conditions. This variant has not been reported in the literature in individuals affected with LRP5-related conditions. An algorithm developed to predict the effect of missense changes on protein structure and function (PolyPhen-2) suggests that this variant is likely to be disruptive. Variants that disrupt the consensus splice site are a relatively common cause of aberrant splicing (PMID: 17576681, 9536098). This variant disrupts the p.Arg229 amino acid residue in LRP5. Other variant(s) that disrupt this residue have been determined to be pathogenic (PMID: 26355662, 27124789, 35277167; internal data). This suggests that this residue is clinically significant, and that variants that disrupt this residue are likely to be disease-causing. This variant disrupts the p.Arg229 amino acid residue in LRP5. Other variant(s) that disrupt this residue have been determined to be pathogenic (PMID: 26355662, 27124789, 35277167; internal data). This suggests that this residue is clinically significant, and that variants that disrupt this residue are likely to be disease-causing. In summary, the available evidence is currently insufficient to determine the role of this variant in disease. Therefore, it has been classified as a Variant of Uncertain Significance.

Literature cited by the submitters: PubMed 17576681; PubMed 9536098; PubMed 26355662; PubMed 27124789; PubMed 35277167.

NM_002335.4(LRP5):c.686G>T (p.Arg229Leu)

Gene: LRP5 (LDL receptor related protein 5; plus strand). Cytogenetic location: 11q13.2.
Variant type: single nucleotide variant.
Coding change: c.686G>T on transcript NM_002335.4 (MANE Select); coding-DNA position 686, G replaced by T.
Protein change: p.Arg229Leu; replaces arginine 229 with leucine.
Molecular consequence: missense variant. On other transcripts: 5 prime UTR variant (1).
Genome position (GRCh38, 1-based): chr11:68,357,847, G>T. VCF-style: chr11-68357847-G-T. GRCh37 (hg19) VCF-style: chr11-68125315-G-T.
Other names: c.-1080G>T (NM_001291902.2); short protein forms R229L.
Identifiers: ClinVar variation 4714494 (VCV004714494.1).